The following is an entry in ClinVar:

ClinVar aggregate classification (germline): Uncertain significance. Review status: criteria provided, multiple submitters, no conflicts (2 of 4 stars). 2 submissions from 2 submitters: Uncertain significance (2). Last evaluated 2026-06-13.

Conditions:
PLEC-related disorder. Also called: PLEC-related condition; PLEC-related disorders.
Epidermolysis bullosa simplex, Ogna type (EBS5A). Also called: Pidermolysis bullosa simplex 5A, Ogna type; EPIDERMOLYSIS BULLOSA SIMPLEX 5A, OGNA TYPE. Identifiers: Orphanet 79401, MedGen C0432317, MONDO:0007555, OMIM 131950.
Autosomal recessive limb-girdle muscular dystrophy type 2Q (LGMDR17). Also called: MUSCULAR DYSTROPHY, LIMB-GIRDLE, AUTOSOMAL RECESSIVE 17. Identifiers: Orphanet 254361, MedGen C3150989, MONDO:0013390, OMIM 613723.
Epidermolysis bullosa simplex with nail dystrophy (EBS5D). Identifiers: MedGen C4225309, MONDO:0014661, OMIM 616487.
Epidermolysis bullosa simplex 5C, with pyloric atresia (EBS5C). Also called: PLEC-Related Epidermolysis Bullosa with Pyloric Atresia; Epidermolysis bullosa simplex with pyloric atresia; PLEC1-Related Epidermolysis Bullosa with Pyloric Atresia. Identifiers: Orphanet 158684, MedGen C2677349, MONDO:0012807, OMIM 612138.
Epidermolysis bullosa simplex 5B, with muscular dystrophy (EBS5B). Also called: Epidermolysis bullosa simplex with muscular dystrophy; EPIDERMOLYSIS BULLOSA SIMPLEX AND LIMB-GIRDLE MUSCULAR DYSTROPHY. Identifiers: Orphanet 257, MedGen C2931072, MONDO:0009181, OMIM 226670.

gnomAD v4.1: 6 of 1,613,350 alleles (0.00037%); highest among the groups gnomAD compares: Non-Finnish European, 0.00042%; no homozygotes.

Submissions (2):

PreventionGenetics, part of Exact Sciences
Classification: Uncertain significance for PLEC-related condition. Last evaluated: 2026-06-13. Review status: criteria provided, single submitter. Criteria: ACMG Guidelines, 2015. Collection method: clinical testing. Allele origin: germline.
Comment: The PLEC c.10489G>T variant is predicted to result in the amino acid substitution p.Ala3497Ser. To our knowledge, this variant has not been reported in the literature. This variant is reported in 0.0027% of alleles in individuals of European (Non-Finnish) descent in gnomAD. At this time, the clinical significance of this variant is uncertain due to the absence of conclusive functional and genetic evidence.

Labcorp Genetics (formerly Invitae), Labcorp
Classification: Uncertain significance for Autosomal recessive limb-girdle muscular dystrophy type 2Q; Epidermolysis bullosa simplex, Ogna type; Epidermolysis bullosa simplex with nail dystrophy; Epidermolysis bullosa simplex 5C, with pyloric atresia; Epidermolysis bullosa simplex 5B, with muscular dystrophy. Last evaluated: 2023-02-11. Review status: criteria provided, single submitter. Criteria: Invitae Variant Classification Sherloc (09022015). Collection method: clinical testing. Allele origin: germline.
Comment: This sequence change replaces alanine, which is neutral and non-polar, with serine, which is neutral and polar, at codon 3497 of the PLEC protein (p.Ala3497Ser). This variant is present in population databases (rs377602333, gnomAD 0.003%). This variant has not been reported in the literature in individuals affected with PLEC-related conditions. Advanced modeling of protein sequence and biophysical properties (such as structural, functional, and spatial information, amino acid conservation, physicochemical variation, residue mobility, and thermodynamic stability) performed at Invitae indicates that this missense variant is not expected to disrupt PLEC protein function. In summary, the available evidence is currently insufficient to determine the role of this variant in disease. Therefore, it has been classified as a Variant of Uncertain Significance.

NM_201384.3(PLEC):c.10408G>T (p.Ala3470Ser)

Gene: PLEC (plectin; minus strand). Cytogenetic location: 8q24.3.
Variant type: single nucleotide variant.
Coding change: c.10408G>T on transcript NM_201384.3 (MANE Select); coding-DNA position 10408, G replaced by T.
Protein change: p.Ala3470Ser; replaces alanine 3470 with serine.
Molecular consequence: missense variant.
Genome position (GRCh38, 1-based): chr8:143,919,413, C>A on the plus strand (G>T on the coding strand, the complement: PLEC is on the minus strand). VCF-style: chr8-143919413-C-A. GRCh37 (hg19) VCF-style: chr8-144993581-C-A.
Other names: c.10312G>T, p.Ala3438Ser (NM_201381.3); c.10408G>T, p.Ala3470Ser (NM_201382.4); c.10420G>T, p.Ala3474Ser (NM_201383.3); c.10489G>T (NM_000445.4); c.10489G>T, p.Ala3497Ser (NM_000445.5); c.7108G>T, p.Ala2370Ser (NM_001410941.1); c.10366G>T, p.Ala3456Ser (NM_201378.4); c.10342G>T, p.Ala3448Ser (NM_201379.3); and 1 more; short protein forms A3607S, A3438S, A3456S, A3470S, A3474S, A3497S, A2370S, A3448S.
Identifiers: ClinVar variation 2932413 (VCV002932413.4), dbSNP rs377602333, ClinGen allele CA4924662.